The following is an entry in ClinVar:

ClinVar aggregate classification (germline): Uncertain significance (1 of 4 stars; one submission).

Submission:

Clinical Genomics Laboratory, Washington University in St. Louis
Classification: Uncertain significance. Last evaluated: 2025-01-20. Review status: criteria provided, single submitter. Criteria: ACMG Guidelines, 2015. Collection method: clinical testing. Allele origin: germline.
Comment: The ETF1 c.495_496del (p.Glu167Serfs*15) variant, to our knowledge, has not been reported in the medical literature. This variant causes a frameshift by deleting 2 nucleotides, leading to a premature termination codon, which is predicted to lead to nonsense mediated decay. This variant is absent from the general population (gnomAD v.2.1.1), indicating it is not a common variant. Due to limited information, the clinical significance of this variant is uncertain.

NM_004730.4(ETF1):c.495_496del (p.Glu167fs)

Gene: ETF1 (eukaryotic translation termination factor 1; minus strand). Cytogenetic location: 5q31.2.
Variant type: Deletion.
Coding change: c.495_496del on transcript NM_004730.4 (MANE Select); coding-DNA positions 495 to 496, 2 bases deleted (AA; older notation c.495_496delAA).
Protein change: p.Glu167fs; shifts the reading frame from glutamic acid 167.
Molecular consequence: frameshift variant. On other transcripts: non-coding transcript variant (1).
Genome position (GRCh38, 1-based): chr5:138,513,613-138,513,614, TT deleted on the plus strand (AA on the coding strand, the reverse complement: ETF1 is on the minus strand). VCF-style (leftmost placement, unchanged base first): chr5-138513612-CTT-C. GRCh37 (hg19) VCF-style: chr5-137849301-CTT-C.
Other names: c.396_397del, p.Glu134fs (NM_001256302.2, NM_001291974.2, NM_001291975.2 and 1 more transcripts); c.453_454del, p.Glu153fs (NM_001282185.2); short protein forms E134fs, E153fs, E167fs.
Identifiers: ClinVar variation 4279752 (VCV004279752.1).